The following is an entry in ClinVar:

NM_002878.4(RAD51D):c.539A>G (p.Asp180Gly)

Genes: RAD51L3-RFFL (RAD51L3-RFFL readthrough; minus strand), RAD51D (RAD51 paralog D; minus strand). Cytogenetic location: 17q12.
Variant type: single nucleotide variant.
Coding change: c.539A>G on transcript NM_002878.4 (MANE Select); coding-DNA position 539, A replaced by G.
Protein change: p.Asp180Gly; replaces aspartic acid 180 with glycine.
Molecular consequence: missense variant. On other transcripts: non-coding transcript variant (3).
Genome position (GRCh38, 1-based): chr17:35,106,423, T>C on the plus strand (A>G on the coding strand, the complement: RAD51D is on the minus strand). VCF-style: chr17-35106423-T-C. GRCh37 (hg19) VCF-style: chr17-33433442-T-C.
Other names: c.599A>G, p.Asp200Gly (NM_001142571.2); c.203A>G, p.Asp68Gly (NM_133629.3); short protein forms D180G, D200G, D68G.
Identifiers: ClinVar variation 4543309 (VCV004543309.1).

ClinVar aggregate classification (germline): Uncertain significance (1 of 4 stars; one submission).

Conditions:
Hereditary cancer-predisposing syndrome. Also called: Tumor predisposition; Hereditary Cancer Syndrome; Hereditary neoplastic syndrome; Neoplastic Syndromes, Hereditary. Identifiers: Orphanet 140162, MedGen C0027672, MeSH D009386, MONDO:0015356.

Submission:

Ambry Genetics
Classification: Uncertain significance for Hereditary cancer-predisposing syndrome. Last evaluated: 2025-11-26. Review status: criteria provided, single submitter. Criteria: Ambry Variant Classification Scheme 2023. Collection method: clinical testing. Allele origin: germline.
Comment: The p.D180G variant (also known as c.539A>G), located in coding exon 6 of the RAD51D gene, results from an A to G substitution at nucleotide position 539. The aspartic acid at codon 180 is replaced by glycine, an amino acid with similar properties. This amino acid position is not well conserved in available vertebrate species. In addition, this alteration is predicted to be tolerated by in silico analysis. Based on the available evidence, the clinical significance of this variant remains unclear.